The following is an entry in ClinVar:

ClinVar aggregate classification (germline): Likely benign (1 of 4 stars; one submission).

Allele frequency attached by ClinVar (database versions not stated): ExAC 0.00006; gnomAD 0.00013; 1000 Genomes Project 0.00040.

Submission:

CeGaT Center for Human Genetics Tuebingen
Classification: Likely benign. Last evaluated: 2024-02-01. Review status: criteria provided, single submitter. Criteria: CeGaT Center For Human Genetics Tuebingen Variant Classification Criteria Version 2. Collection method: clinical testing. Allele origin: germline. Affected: yes. Observed: 1 variant allele.
Comment: POLR2A: BP4, BP7

NM_000937.5(POLR2A):c.4932G>A (p.Ser1644=)

Gene: POLR2A (RNA polymerase II subunit A; plus strand). Cytogenetic location: 17p13.1.
Variant type: single nucleotide variant.
Coding change: c.4932G>A on transcript NM_000937.5 (MANE Select); coding-DNA position 4932, G replaced by A.
Protein change: p.Ser1644=; no amino-acid change (serine 1644 retained).
Molecular consequence: synonymous variant.
Genome position (GRCh38, 1-based): chr17:7,513,196, G>A. VCF-style: chr17-7513196-G-A. GRCh37 (hg19) VCF-style: chr17-7416515-G-A.
Identifiers: ClinVar variation 3025312 (VCV003025312.22), dbSNP rs200514677, ClinGen allele CA8350449.